The following is an entry in ClinVar:

ClinVar aggregate classification (germline): Uncertain significance (1 of 4 stars; one submission).

Conditions:
Charcot-Marie-Tooth disease dominant intermediate B (CMTDIB). Also called: CHARCOT-MARIE-TOOTH NEUROPATHY, DOMINANT INTERMEDIATE B; Charcot-Marie-Tooth disease dominant intermediate 1; CMT DI1; Charcot-Marie-Tooth disease dominant intermediate I. Identifiers: Orphanet 100044, Orphanet 228179, MedGen C1847902, MONDO:0011674, OMIM 606482.

Submission:

Labcorp Genetics (formerly Invitae), Labcorp
Classification: Uncertain significance for Charcot-Marie-Tooth disease dominant intermediate B. Last evaluated: 2022-01-02. Review status: criteria provided, single submitter. Criteria: Invitae Variant Classification Sherloc (09022015). Collection method: clinical testing. Allele origin: germline.
Comment: Variants that disrupt the consensus splice site are a relatively common cause of aberrant splicing (PMID: 17576681, 9536098). Algorithms developed to predict the effect of sequence changes on RNA splicing suggest that this variant may disrupt the consensus splice site. In summary, the available evidence is currently insufficient to determine the role of this variant in disease. Therefore, it has been classified as a Variant of Uncertain Significance. This variant has not been reported in the literature in individuals affected with DNM2-related conditions. This variant is not present in population databases (gnomAD no frequency). This sequence change falls in intron 7 of the DNM2 gene. It does not directly change the encoded amino acid sequence of the DNM2 protein. It affects a nucleotide within the consensus splice site.

Literature cited by the submitters: PubMed 17576681; PubMed 9536098.

NM_001005361.3(DNM2):c.992+4T>G

Gene: DNM2 (dynamin 2; plus strand). Cytogenetic location: 19p13.2.
Variant type: single nucleotide variant.
Coding change: c.992+4T>G on transcript NM_001005361.3 (MANE Select); 4 bases into the intron after coding-DNA position 992, T replaced by G.
Molecular consequence: intron variant.
Genome position (GRCh38, 1-based): chr19:10,786,710, T>G. VCF-style: chr19-10786710-T-G. GRCh37 (hg19) VCF-style: chr19-10897386-T-G.
Other names: c.992+4T>G (NM_001005360.3, NM_001190716.2, NM_004945.4 and 1 more transcripts).
Identifiers: ClinVar variation 1425095 (VCV001425095.6), dbSNP rs1225723240, ClinGen allele CA2573155547.
Genomic context (GRCh38, chr19:10,786,710, plus strand): 5'-GGAGTACAAGAACTTTCGGCCCGACGACCCCACCCGCAAAACCAAAGCCCTGCTGCAGTA[T>G]GTACCCCGGCACCCACCACCACCACCACCCTGGCCCCTGCCTTCCATCAGCCACAGGGCC-3'